The following is an entry in ClinVar:

NM_001276270.2(MBD4):c.25_26del (p.Leu9fs)

Genes: MBD4 (methyl-CpG binding domain 4, DNA glycosylase; minus strand), LOC129937550 (ATAC-STARR-seq lymphoblastoid active region 20512; plus strand). Cytogenetic location: 3q21.3.
Variant type: Deletion.
Coding change: c.25_26del on transcript NM_001276270.2 (MANE Select); coding-DNA positions 25 to 26, 2 bases deleted (CT; older notation c.25_26delCT).
Protein change: p.Leu9fs; shifts the reading frame from leucine 9.
Molecular consequence: frameshift variant.
Genome position (GRCh38, 1-based): chr3:129,439,808-129,439,809, AG deleted on the plus strand (CT on the coding strand, the reverse complement: MBD4 is on the minus strand); deleting any 2 consecutive bases within chr3:129,439,808-129,439,810 gives the same sequence; the c. name uses the placement nearest the transcript's 3' end. VCF-style (leftmost placement, unchanged base first): chr3-129439807-CAG-C. GRCh37 (hg19) VCF-style: chr3-129158650-CAG-C.
Other names: c.25_26del, p.Leu9fs (NM_001276271.2, NM_001276272.2, NM_001276273.2 and 1 more transcripts); c.25_26delCT (NM_001276270.2); short protein forms L9fs.
Identifiers: ClinVar variation 2871419 (VCV002871419.4), dbSNP rs1198503871, ClinGen allele CA898766493.

ClinVar aggregate classification (germline): Pathogenic/Likely pathogenic. Review status: criteria provided, multiple submitters, no conflicts (2 of 4 stars). 2 submissions from 2 submitters: Pathogenic (1); Likely pathogenic (1). Last evaluated 2025-12-02.

Conditions:
Inborn genetic diseases. Identifiers: MedGen C0950123, MeSH D030342.

Submissions (2):

Labcorp Genetics (formerly Invitae), Labcorp
Classification: Pathogenic. Last evaluated: 2025-12-02. Review status: criteria provided, single submitter. Criteria: Invitae Variant Classification Sherloc (09022015). Collection method: clinical testing. Allele origin: germline.
Comment: This sequence change creates a premature translational stop signal (p.Leu9Glufs*14) in the MBD4 gene. It is expected to result in an absent or disrupted protein product. Loss-of-function variants in MBD4 are known to be pathogenic (PMID: 30049810, 35460607). This variant is not present in population databases (gnomAD no frequency). This variant has not been reported in the literature in individuals affected with MBD4-related conditions. ClinVar contains an entry for this variant (Variation ID: 2871419). For these reasons, this variant has been classified as Pathogenic.

Ambry Genetics
Classification: Likely pathogenic for Inborn genetic diseases. Last evaluated: 2025-01-06. Review status: criteria provided, single submitter. Criteria: Ambry Variant Classification Scheme 2023. Collection method: clinical testing. Allele origin: germline.
Comment: The c.25_26delCT variant, located in coding exon 1 of the MBD4 gene, results from a deletion of two nucleotides at nucleotide positions 25 to 26, causing a translational frameshift with a predicted alternate stop codon (p.L9Efs*14). The predicted stop codon occurs in the 5&rsquo; end of theMBD4 gene. Premature termination codons in the 5&rsquo; end of a gene have been reported to escape nonsense-mediated mRNAdecay and/or lead to re-initiation (Rivas et al. Science. 2015 May 8;348(6235):666-9; Lindeboom et al. Nat Genet. 2016 Oct;48(10):1112-8; Rhee et al. Sci Rep. 2017 May 10;7(1):1653). Direct evidence for this alteration is unavailable, however premature termination codons are typically deleterious in nature. This variant is considered to be rare based on population cohorts in the Genome Aggregation Database (gnomAD). Based on the majority of available evidence to date, this variant is likely to be pathogenic.

Literature cited by the submitters: PubMed 30049810 (cited by Labcorp Genetics (formerly Invitae), Labcorp); PubMed 35460607 (cited by Labcorp Genetics (formerly Invitae), Labcorp).